The following is an entry in ClinVar:

ClinVar aggregate classification (germline): Uncertain significance (1 of 4 stars; one submission).

Conditions:
Long QT syndrome (LQTS). Identifiers: MedGen C0023976, MeSH D008133, MONDO:0002442. Disease mechanism: loss of function. Inheritance: Various modes of inheritance.

Allele frequency attached by ClinVar (database versions not stated): gnomAD exomes below 0.00001.
gnomAD v4.1: 1 of 1,613,512 alleles (0.000062%); highest among the groups gnomAD compares: Non-Finnish European, 0.000085%; no homozygotes.

Submission:

Dept of Medical Biology, Uskudar University
Classification: Uncertain significance for Long QT syndrome. Last evaluated: 2024-01-08. Review status: criteria provided, single submitter. Criteria: Dept of Medical Biology Variant Classification. Collection method: research. Allele origin: paternal. Affected: yes. Observed: 1 variant allele.
Comment: Criteria: PM2

NM_002230.4(JUP):c.2154G>A (p.Met718Ile)

Gene: JUP (junction plakoglobin; minus strand). Cytogenetic location: 17q21.2.
Variant type: single nucleotide variant.
Coding change: c.2154G>A on transcript NM_002230.4 (MANE Select); coding-DNA position 2154, G replaced by A.
Protein change: p.Met718Ile; replaces methionine 718 with isoleucine.
Molecular consequence: missense variant.
Genome position (GRCh38, 1-based): chr17:41,755,828, C>T on the plus strand (G>A on the coding strand, the complement: JUP is on the minus strand). VCF-style: chr17-41755828-C-T. GRCh37 (hg19) VCF-style: chr17-39912080-C-T.
Other names: c.2154G>A, p.Met718Ile (NM_001352773.2, NM_001352774.2, NM_001352775.2 and 3 more transcripts); short protein forms M718I.
Identifiers: ClinVar variation 2574017 (VCV002574017.3), dbSNP rs2544007733, ClinGen allele CA399490530.
Genomic context (GRCh38, chr17:41,755,828, plus strand): 5'-GGGGTACGGGGGCCTGAGGCCGTCGCTGTAGGTGTCGATGGGGTAGTCTCCATCCATGTC[C>T]ATGTGCATCTCCAGCGGGTCAAGGGGCACATCGCTGGAGTACATGGGGCGGTAGGTGGCA-3'
Protein context (NP_002221.1, residues 708-728): DVPLDPLEMH[Met718Ile]DMDGDYPIDT